The following is an entry in ClinVar:

NM_001127644.2(GABRA1):c.199G>A (p.Glu67Lys)

Gene: GABRA1 (gamma-aminobutyric acid type A receptor subunit alpha1; plus strand). Cytogenetic location: 5q34.
Variant type: single nucleotide variant.
Coding change: c.199G>A on transcript NM_001127644.2 (MANE Select); coding-DNA position 199, G replaced by A.
Protein change: p.Glu67Lys; replaces glutamic acid 67 with lysine.
Molecular consequence: missense variant.
Genome position (GRCh38, 1-based): chr5:161,865,732, G>A. VCF-style: chr5-161865732-G-A. GRCh37 (hg19) VCF-style: chr5-161292738-G-A.
Other names: c.199G>A, p.Glu67Lys (NM_000806.5, NM_001127643.2, NM_001127645.2 and 1 more transcripts); short protein forms E67K.
Identifiers: ClinVar variation 4793204 (VCV004793204.1).

ClinVar aggregate classification (germline): Uncertain significance (1 of 4 stars; one submission).

Conditions:
Epilepsy, idiopathic generalized, susceptibility to, 13. Also called: EPILEPSY, JUVENILE MYOCLONIC, SUSCEPTIBILITY TO, 5. Identifiers: Orphanet 307, Orphanet 64280, MedGen C4013473, MONDO:0012627, OMIM 611136.
Idiopathic generalized epilepsy. Also called: EIG; Generalised epilepsy. Identifiers: MedGen C0270850, MONDO:0005579, OMIM 600669.
Epilepsy, childhood absence 4 (ECA4). Also called: EPILEPSY, CHILDHOOD ABSENCE, SUSCEPTIBILITY TO, 4. Identifiers: Orphanet 307, MedGen C1970160.

gnomAD v4.1: 17 of 1,612,896 alleles (0.0011%); highest among the groups gnomAD compares: South Asian, 0.0022%; no homozygotes.

Submission:

Labcorp Genetics (formerly Invitae), Labcorp
Classification: Uncertain significance for Epilepsy, childhood absence 4; Epilepsy, idiopathic generalized, susceptibility to, 13; Idiopathic generalized epilepsy. Last evaluated: 2025-11-02. Review status: criteria provided, single submitter. Criteria: Invitae Variant Classification Sherloc (09022015). Collection method: clinical testing. Allele origin: germline.
Comment: This sequence change replaces glutamic acid, which is acidic and polar, with lysine, which is basic and polar, at codon 67 of the GABRA1 protein (p.Glu67Lys). This variant is present in population databases (rs763403354, gnomAD 0.003%). This variant has not been reported in the literature in individuals affected with GABRA1-related conditions. Invitae Evidence Modeling of protein sequence and biophysical properties (such as structural, functional, and spatial information, amino acid conservation, physicochemical variation, residue mobility, and thermodynamic stability) has been performed for this missense variant. However, the output from this modeling did not meet the statistical confidence thresholds required to predict the impact of this variant on GABRA1 protein function. In summary, the available evidence is currently insufficient to determine the role of this variant in disease. Therefore, it has been classified as a Variant of Uncertain Significance.